The following is an entry in ClinVar:

NM_005585.5(SMAD6):c.893del (p.Leu298fs)

Gene: SMAD6 (SMAD family member 6; plus strand). Cytogenetic location: 15q22.31.
Variant type: Deletion.
Coding change: c.893del on transcript NM_005585.5 (MANE Select); coding-DNA position 893, one base deleted (T; older notation c.893delT).
Protein change: p.Leu298fs; shifts the reading frame from leucine 298.
Molecular consequence: frameshift variant. On other transcripts: non-coding transcript variant (1).
Genome position (GRCh38, 1-based): chr15:66,716,439, T deleted; the last of 2 consecutive T bases (chr15:66,716,438-66,716,439); deleting either gives the same sequence. VCF-style (leftmost placement, unchanged base first): chr15-66716437-AT-A. GRCh37 (hg19) VCF-style: chr15-67008775-AT-A.
Other names: short protein forms L298fs.
Identifiers: ClinVar variation 3390849 (VCV003390849.2).

ClinVar aggregate classification (germline): Pathogenic (1 of 4 stars; one submission).

Submission:

Medical Genetics, Taibah University College of Applied Medical Sciences
Classification: Pathogenic. Review status: criteria provided, single submitter. Criteria: ACMG Guidelines, 2015. Collection method: research. Allele origin: germline. Inheritance: Autosomal dominant inheritance. Affected: yes. Observed: 1 heterozygote.
Comment: This variant is located in exon 3, and predicted to undergo nonsense mediated decay and therefore, results in absent or truncated protein. This variant was absent from the Genome Aggregation Database (gnomAD, version 4.0.1). Additionally, several pathogenic variants located upstream and downstream this variant are reported in association with aortic, mitral valve, and cardiac diseases in this well-established, critical, and mutational hot-spot region.

Literature cited by the submitters: PubMed 39069920.